The following is an entry in ClinVar:

NM_001814.6(CTSC):c.252C>G (p.Phe84Leu)

Gene: CTSC (cathepsin C; minus strand). Cytogenetic location: 11q14.2.
Variant type: single nucleotide variant.
Coding change: c.252C>G on transcript NM_001814.6 (MANE Select); coding-DNA position 252, C replaced by G.
Protein change: p.Phe84Leu; replaces phenylalanine 84 with leucine.
Molecular consequence: missense variant.
Genome position (GRCh38, 1-based): chr11:88,335,003, G>C on the plus strand (C>G on the coding strand, the complement: CTSC is on the minus strand). VCF-style: chr11-88335003-G-C. GRCh37 (hg19) VCF-style: chr11-88068171-G-C.
Other names: c.252C>G, p.Phe84Leu (NM_001114173.3, NM_148170.5); short protein forms F84L.
Identifiers: ClinVar variation 1435980 (VCV001435980.3), dbSNP rs750804719, ClinGen allele CA6220090.

ClinVar aggregate classification (germline): Uncertain significance (1 of 4 stars; one submission).

Conditions:
Papillon-Lefèvre syndrome (PALS). Also called: KERATOSIS PALMOPLANTARIS WITH PERIODONTOPATHIA; Papillon-Lefevre Disease. Identifiers: Orphanet 678, MedGen C0030360, MONDO:0009490, OMIM 245000.
Periodontitis, aggressive. Identifiers: MedGen C0031106, MONDO:0980757.
Haim-Munk syndrome (HMS). Also called: COCHIN JEWISH DISORDER; KERATOSIS PALMOPLANTARIS WITH PERIODONTOPATHIA AND ONYCHOGRYPOSIS. Identifiers: Orphanet 2342, MedGen C1855627, MONDO:0009491, OMIM 245010.

Allele frequency attached by ClinVar (database versions not stated): ExAC 0.00001.
gnomAD v4.1: 1 of 1,607,772 alleles (0.000062%); highest among the groups gnomAD compares: East Asian, 0.0022%; no homozygotes.

Submission:

Labcorp Genetics (formerly Invitae), Labcorp
Classification: Uncertain significance for Haim-Munk syndrome; Periodontitis, aggressive; Papillon-Lefèvre syndrome. Last evaluated: 2021-08-11. Review status: criteria provided, single submitter. Criteria: Invitae Variant Classification Sherloc (09022015). Collection method: clinical testing. Allele origin: germline.
Comment: This sequence change replaces phenylalanine with leucine at codon 84 of the CTSC protein (p.Phe84Leu). The phenylalanine residue is highly conserved and there is a small physicochemical difference between phenylalanine and leucine. This variant is present in population databases (rs750804719, ExAC 0.01%). This variant has not been reported in the literature in individuals affected with CTSC-related conditions. Algorithms developed to predict the effect of missense changes on protein structure and function are either unavailable or do not agree on the potential impact of this missense change (SIFT: "Not Available"; PolyPhen-2: "Probably Damaging"; Align-GVGD: "Not Available"). In summary, the available evidence is currently insufficient to determine the role of this variant in disease. Therefore, it has been classified as a Variant of Uncertain Significance.